The following is an entry in ClinVar:

ClinVar aggregate classification (germline): Uncertain significance (1 of 4 stars; one submission).

Allele frequency attached by ClinVar (database versions not stated): ExAC 0.00006; 1000 Genomes Project 30x 0.00016; 1000 Genomes Project 0.00020.
gnomAD v4.1: 21 of 1,614,190 alleles (0.0013%); highest among the groups gnomAD compares: East Asian, 0.045%; no homozygotes.

Submission:

Pediatric Department, Xiangya Hospital, Central South University
Classification: Uncertain significance. Review status: criteria provided, single submitter. Criteria: ACMG Guidelines, 2015. Collection method: clinical testing. Allele origin: inherited. Inheritance: Autosomal recessive inheritance. Affected: yes.
Comment: This variant was observed in compound heterozygosity with variant (c.490C>A)

NM_144772.3(NAXE):c.473G>C (p.Cys158Ser)

Gene: NAXE (NAD(P)HX epimerase; plus strand). Cytogenetic location: 1q22.
Variant type: single nucleotide variant.
Coding change: c.473G>C on transcript NM_144772.3 (MANE Select); coding-DNA position 473, G replaced by C.
Protein change: p.Cys158Ser; replaces cysteine 158 with serine.
Molecular consequence: missense variant.
Genome position (GRCh38, 1-based): chr1:156,592,627, G>C. VCF-style: chr1-156592627-G-C. GRCh37 (hg19) VCF-style: chr1-156562419-G-C.
Other names: short protein forms C158S.
Identifiers: ClinVar variation 1802682 (VCV001802682.1), dbSNP rs149086062, ClinGen allele CA1162783.